The following is an entry in ClinVar:

ClinVar aggregate classification (germline): Uncertain significance (1 of 4 stars; one submission).

Conditions:
Amelocerebrohypohidrotic syndrome (KTZS). Also called: Kohlschutter's syndrome; EPILEPSY AND YELLOW TEETH; EPILEPSY, DEMENTIA, AND AMELOGENESIS IMPERFECTA; KOHLSCHUTTER SYNDROME. Identifiers: Orphanet 1946, MedGen C0406740, MONDO:0009185, OMIM 226750.

Submission:

Labcorp Genetics (formerly Invitae), Labcorp
Classification: Uncertain significance for Amelocerebrohypohidrotic syndrome. Last evaluated: 2024-02-16. Review status: criteria provided, single submitter. Criteria: Invitae Variant Classification Sherloc (09022015). Collection method: clinical testing. Allele origin: germline.
Comment: This sequence change replaces serine, which is neutral and polar, with isoleucine, which is neutral and non-polar, at codon 280 of the ROGDI protein (p.Ser280Ile). This variant is not present in population databases (gnomAD no frequency). This variant has not been reported in the literature in individuals affected with ROGDI-related conditions. ClinVar contains an entry for this variant (Variation ID: 2012228). An algorithm developed to predict the effect of missense changes on protein structure and function (PolyPhen-2) suggests that this variant is likely to be tolerated. In summary, the available evidence is currently insufficient to determine the role of this variant in disease. Therefore, it has been classified as a Variant of Uncertain Significance.

NM_024589.3(ROGDI):c.839G>T (p.Ser280Ile)

Gene: ROGDI (rogdi atypical leucine zipper; minus strand). Cytogenetic location: 16p13.3.
Variant type: single nucleotide variant.
Coding change: c.839G>T on transcript NM_024589.3 (MANE Select); coding-DNA position 839, G replaced by T.
Protein change: p.Ser280Ile; replaces serine 280 with isoleucine.
Molecular consequence: missense variant. On other transcripts: non-coding transcript variant (1).
Genome position (GRCh38, 1-based): chr16:4,797,485, C>A on the plus strand (G>T on the coding strand, the complement: ROGDI is on the minus strand). VCF-style: chr16-4797485-C-A. GRCh37 (hg19) VCF-style: chr16-4847486-C-A.
Other names: short protein forms S280I.
Identifiers: ClinVar variation 2012228 (VCV002012228.4), dbSNP rs1236746045, ClinGen allele CA394647412.